The following is an entry in ClinVar:

NM_024642.5(GALNT12):c.283G>A (p.Glu95Lys)

Gene: GALNT12 (polypeptide N-acetylgalactosaminyltransferase 12; plus strand). Cytogenetic location: 9q22.33.
Variant type: single nucleotide variant.
Coding change: c.283G>A on transcript NM_024642.5 (MANE Select); coding-DNA position 283, G replaced by A.
Protein change: p.Glu95Lys; replaces glutamic acid 95 with lysine.
Molecular consequence: missense variant.
Genome position (GRCh38, 1-based): chr9:98,807,981, G>A. VCF-style: chr9-98807981-G-A. GRCh37 (hg19) VCF-style: chr9-101570263-G-A.
Other names: short protein forms E95K.
Identifiers: ClinVar variation 1026320 (VCV001026320.11), dbSNP rs1346303585, ClinGen allele CA374222756.

ClinVar aggregate classification (germline): Uncertain significance. Review status: criteria provided, multiple submitters, no conflicts (2 of 4 stars). 2 submissions from 2 submitters: Uncertain significance (2). Last evaluated 2020-07-07.

Submissions (2):

Ambry Genetics
Classification: Uncertain significance. Last evaluated: 2020-07-07. Review status: criteria provided, single submitter. Criteria: Ambry Variant Classification Scheme 2023. Collection method: clinical testing. Allele origin: germline.
Comment: The p.E95K variant (also known as c.283G>A), located in coding exon 1 of the GALNT12 gene, results from a G to A substitution at nucleotide position 283. The glutamic acid at codon 95 is replaced by lysine, an amino acid with similar properties. This amino acid position is highly conserved in available vertebrate species. In addition, this alteration is predicted to be tolerated by in silico analysis. Since supporting evidence is limited at this time, the clinical significance of this alteration remains unclear.

Labcorp Genetics (formerly Invitae), Labcorp
Classification: Uncertain significance. Last evaluated: 2017-11-05. Review status: criteria provided, single submitter. Criteria: Invitae Variant Classification Sherloc (09022015). Collection method: clinical testing. Allele origin: germline.
Comment: While this variant is not present in population databases, the frequency information is unreliable, as metrics indicate poor data quality at this position in the ExAC database. This sequence change replaces glutamic acid with lysine at codon 95 of the GALNT12 protein (p.Glu95Lys). The glutamic acid residue is weakly conserved and there is a small physicochemical difference between glutamic acid and lysine. This variant has not been reported in the literature in individuals with GALNT12-related disease. Algorithms developed to predict the effect of missense changes on protein structure and function do not agree on the potential impact of this missense change (SIFT: "Tolerated"; PolyPhen-2: "Probably Damaging"; Align-GVGD: "Class C0"). In summary, the available evidence is currently insufficient to determine the role of this variant in disease. Therefore, it has been classified as a Variant of Uncertain Significance.